The following is an entry in ClinVar:

NM_001042492.3(NF1):c.7455T>A (p.Tyr2485Ter)

Gene: NF1 (neurofibromin 1; plus strand). Cytogenetic location: 17q11.2.
Variant type: single nucleotide variant.
Coding change: c.7455T>A on transcript NM_001042492.3 (MANE Select); coding-DNA position 7455, T replaced by A.
Protein change: p.Tyr2485Ter; replaces tyrosine 2485 with a stop codon.
Molecular consequence: nonsense.
Genome position (GRCh38, 1-based): chr17:31,350,316, T>A. VCF-style: chr17-31350316-T-A. GRCh37 (hg19) VCF-style: chr17-29677334-T-A.
Other names: c.7392T>A, p.Tyr2464Ter (NM_000267.4); short protein forms Y2464*, Y2485*.
Identifiers: ClinVar variation 644466 (VCV000644466.5), dbSNP rs1597859871, ClinGen allele CA399017224.

ClinVar aggregate classification (germline): Pathogenic (1 of 4 stars; one submission).

Conditions:
Neurofibromatosis, type 1 (NF1). Also called: NEUROFIBROMATOSIS, TYPE I, SOMATIC; VON RECKLINGHAUSEN DISEASE; Neurofibromatosis, type I; Peripheral type neurofibromatosis. Identifiers: Orphanet 636, MedGen C0027831, MONDO:0018975, OMIM 162200. Disease mechanism: loss of function.

Submission:

Labcorp Genetics (formerly Invitae), Labcorp
Classification: Pathogenic for Neurofibromatosis, type 1. Last evaluated: 2018-07-18. Review status: criteria provided, single submitter. Criteria: Invitae Variant Classification Sherloc (09022015). Collection method: clinical testing. Allele origin: germline.
Comment: Loss-of-function variants in NF1 are known to be pathogenic (PMID: 10712197, 23913538). This variant has not been reported in the literature in individuals with NF1-related disease. This variant is not present in population databases (ExAC no frequency). This sequence change creates a premature translational stop signal (p.Tyr2464*) in the NF1 gene. It is expected to result in an absent or disrupted protein product. For these reasons, this variant has been classified as Pathogenic.

Literature cited by the submitters: PubMed 10712197; PubMed 23913538.